The following is an entry in ClinVar:

ClinVar aggregate classification (germline): Uncertain significance (1 of 4 stars; one submission).

Conditions:
Bardet-Biedl syndrome (BBS). Identifiers: Orphanet 110, MedGen C0752166, MONDO:0015229.

Submission:

Labcorp Genetics (formerly Invitae), Labcorp
Classification: Uncertain significance for Bardet-Biedl syndrome. Last evaluated: 2022-02-10. Review status: criteria provided, single submitter. Criteria: Invitae Variant Classification Sherloc (09022015). Collection method: clinical testing. Allele origin: germline.
Comment: This sequence change replaces alanine, which is neutral and non-polar, with threonine, which is neutral and polar, at codon 449 of the BBS12 protein (p.Ala449Thr). This variant is not present in population databases (gnomAD no frequency). This variant has not been reported in the literature in individuals affected with BBS12-related conditions. Algorithms developed to predict the effect of missense changes on protein structure and function output the following: SIFT: "Tolerated"; PolyPhen-2: "Benign"; Align-GVGD: "Class C0". The threonine amino acid residue is found in multiple mammalian species, which suggests that this missense change does not adversely affect protein function. In summary, the available evidence is currently insufficient to determine the role of this variant in disease. Therefore, it has been classified as a Variant of Uncertain Significance.

NM_152618.3(BBS12):c.1345G>A (p.Ala449Thr)

Gene: BBS12 (Bardet-Biedl syndrome 12; plus strand). Cytogenetic location: 4q27.
Variant type: single nucleotide variant.
Coding change: c.1345G>A on transcript NM_152618.3 (MANE Select); coding-DNA position 1345, G replaced by A.
Protein change: p.Ala449Thr; replaces alanine 449 with threonine.
Molecular consequence: missense variant.
Genome position (GRCh38, 1-based): chr4:122,743,237, G>A. VCF-style: chr4-122743237-G-A. GRCh37 (hg19) VCF-style: chr4-123664392-G-A.
Other names: c.1345G>A, p.Ala449Thr (NM_001178007.2); short protein forms A449T.
Identifiers: ClinVar variation 1398474 (VCV001398474.8), dbSNP rs767887679, ClinGen allele CA358224922.